The following is an entry in ClinVar:

NM_207122.2(EXT2):c.920A>G (p.Asp307Gly)

Gene: EXT2 (exostosin glycosyltransferase 2; plus strand). Cytogenetic location: 11p11.2.
Variant type: single nucleotide variant.
Coding change: c.920A>G on transcript NM_207122.2 (MANE Select); coding-DNA position 920, A replaced by G.
Protein change: p.Asp307Gly; replaces aspartic acid 307 with glycine.
Molecular consequence: missense variant.
Genome position (GRCh38, 1-based): chr11:44,124,965, A>G. VCF-style: chr11-44124965-A-G. GRCh37 (hg19) VCF-style: chr11-44146515-A-G.
Other names: c.1019A>G, p.Asp340Gly (NM_000401.3); c.920A>G, p.Asp307Gly (NM_001178083.3, NM_001389628.1, NM_001389630.1); short protein forms D340G, D307G.
Identifiers: ClinVar variation 963095 (VCV000963095.10), dbSNP rs1260423517, ClinGen allele CA380168672.

ClinVar aggregate classification (germline): Uncertain significance (1 of 4 stars; one submission).

Conditions:
Exostoses, multiple, type 2 (EXT2). Also called: Hereditary Multiple Osteochondromatosis, Type II; EXOSTOSES, MULTIPLE, TYPE II. Identifiers: Orphanet 321, MedGen C1851413, MONDO:0007586, OMIM 133701.

Allele frequency attached by ClinVar (database versions not stated): gnomAD exomes below 0.00001; TOPMed below 0.00001.
gnomAD v4.1: 1 of 1,613,142 alleles (0.000062%); highest among the groups gnomAD compares: Non-Finnish European, 0.000085%; no homozygotes.

Submission:

Labcorp Genetics (formerly Invitae), Labcorp
Classification: Uncertain significance for Exostoses, multiple, type 2. Last evaluated: 2022-02-03. Review status: criteria provided, single submitter. Criteria: Invitae Variant Classification Sherloc (09022015). Collection method: clinical testing. Allele origin: germline.
Comment: This sequence change replaces aspartic acid, which is acidic and polar, with glycine, which is neutral and non-polar, at codon 307 of the EXT2 protein (p.Asp307Gly). In summary, the available evidence is currently insufficient to determine the role of this variant in disease. Therefore, it has been classified as a Variant of Uncertain Significance. Algorithms developed to predict the effect of missense changes on protein structure and function are either unavailable or do not agree on the potential impact of this missense change (SIFT: "Deleterious"; PolyPhen-2: "Benign"; Align-GVGD: "Class C0"). This variant has not been reported in the literature in individuals affected with EXT2-related conditions. This variant is not present in population databases (gnomAD no frequency). ClinVar contains an entry for this variant (Variation ID: 963095).